The following is an entry in ClinVar:

ClinVar aggregate classification (germline): Likely benign. Review status: criteria provided, multiple submitters, no conflicts (2 of 4 stars). 3 submissions from 3 submitters: Likely benign (2). 1 of the submissions does not count toward it. Last evaluated 2024-11-26.

Conditions:
Rubinstein-Taybi syndrome (RSTS). Identifiers: Orphanet 783, MedGen C0035934, MONDO:0019188.
CREBBP-related disorder. Also called: CREBBP-related disorders; CREBBP-related condition.

Allele frequency attached by ClinVar (database versions not stated): TOPMed 0.00002.
gnomAD v4.1: 44 of 1,613,694 alleles (0.0027%); highest among the groups gnomAD compares: Non-Finnish European, 0.0036%; no homozygotes.

Submissions (3):

Blueprint Genetics
Classification: Likely benign. Last evaluated: 2024-11-26. Review status: criteria provided, single submitter. Criteria: ACMG Guidelines, 2015. Collection method: clinical testing. Allele origin: germline.

Labcorp Genetics (formerly Invitae), Labcorp
Classification: Likely benign for Rubinstein-Taybi syndrome. Last evaluated: 2024-03-20. Review status: criteria provided, single submitter. Criteria: Invitae Variant Classification Sherloc (09022015). Collection method: clinical testing. Allele origin: germline.

PreventionGenetics, part of Exact Sciences
Classification: Likely benign for CREBBP-related condition. Last evaluated: 2022-04-01. Review status: no assertion criteria provided. Collection method: clinical testing. Allele origin: germline. Not counted in ClinVar's aggregate classification.
Comment: This variant is classified as likely benign based on ACMG/AMP sequence variant interpretation guidelines (Richards et al. 2015 PMID: 25741868, with internal and published modifications).

NM_004380.3(CREBBP):c.5148G>C (p.Thr1716=)

Gene: CREBBP (CREB binding lysine acetyltransferase; minus strand). Cytogenetic location: 16p13.3.
Variant type: single nucleotide variant.
Coding change: c.5148G>C on transcript NM_004380.3 (MANE Select); coding-DNA position 5148, G replaced by C.
Protein change: p.Thr1716=; no amino-acid change (threonine 1716 retained).
Molecular consequence: synonymous variant.
Genome position (GRCh38, 1-based): chr16:3,731,216, C>G on the plus strand (G>C on the coding strand, the complement: CREBBP is on the minus strand). VCF-style: chr16-3731216-C-G. GRCh37 (hg19) VCF-style: chr16-3781217-C-G.
Other names: c.5034G>C, p.Thr1678= (NM_001079846.1).
Identifiers: ClinVar variation 723233 (VCV000723233.11), dbSNP rs376575063, ClinGen allele CA7869352.
Genomic context (GRCh38, chr16:3,731,216, plus strand): 5'-GCCGGCTGTGGGGGTGGGGGTGGGGGCAGGGCCTACCTCGCACACAGTGCAGTGCCAGCG[C>G]GTCTCCACGTGGTGCTTGCACTCGTTGCAGGTGTAGACAAAGCGGTCCTGGCCCTGGGTG-3'
Protein context (NP_004371.2, residues 1706-1726): TCNECKHHVE[Thr1716=]RWHCTVCEDY